The following is an entry in ClinVar:

NM_000384.3(APOB):c.*31T>C

Genes: APOB (apolipoprotein B; minus strand), APOB3'MAR (APOB 3' scaffold/matrix attachment region; plus strand). Cytogenetic location: 2p24.1.
Variant type: single nucleotide variant.
Coding change: c.*31T>C on transcript NM_000384.3 (MANE Select); 31 bases downstream of the stop codon, T replaced by C.
Molecular consequence: 3 prime UTR variant.
Genome position (GRCh38, 1-based): chr2:21,001,699, A>G on the plus strand (T>C on the coding strand, the complement: APOB is on the minus strand). VCF-style: chr2-21001699-A-G. GRCh37 (hg19) VCF-style: chr2-21224571-A-G.
Identifiers: ClinVar variation 899009 (VCV000899009.4), dbSNP rs188019153, ClinGen allele CA058245.

ClinVar aggregate classification (germline): Conflicting classifications of pathogenicity. Review status: criteria provided, conflicting classifications (1 of 4 stars). 2 submissions from 1 submitter: Uncertain significance (1); Likely benign (1). Last evaluated 2017-04-27.

Conditions:
Familial hypobetalipoproteinemia 1. Also called: APOB-Related Familial Hypobetalipoproteinemia; Hypobetalipoproteinemia, normotriglyceridemic; Acanthocytosis with hypobetalipoproteinemia. Identifiers: MedGen C4551990, MONDO:0014252, OMIM 615558.
Hypercholesterolemia, autosomal dominant, type B (FHCL2). Also called: Hyperlipoproteinemia Type IIb; APOLIPOPROTEIN B-100, FAMILIAL DEFECTIVE; APOLIPOPROTEIN B-100, FAMILIAL LIGAND-DEFECTIVE; HYPERCHOLESTEROLEMIA, FAMILIAL, DUE TO LIGAND-DEFECTIVE APOLIPOPROTEIN B; APOB-Related Familial Hypercholesterolemia, Autosomal Dominant; Familial Hypercholesterolemia Type B. Identifiers: MedGen C1704417, MONDO:0007751, OMIM 144010.

Allele frequency attached by ClinVar (database versions not stated): gnomAD 0.00007 and 0.00010; TOPMed 0.00014; ExAC 0.00028; 1000 Genomes Project 30x 0.00031; 1000 Genomes Project 0.00040.
gnomAD v4.1: 129 of 1,608,972 alleles (0.008%); highest among the groups gnomAD compares: East Asian, 0.27%; no homozygotes.

Submissions (2):

Illumina Laboratory Services, Illumina
Classification: Likely benign for Hypercholesterolemia, autosomal dominant, type B. Last evaluated: 2017-04-27. Review status: criteria provided, single submitter. Criteria: ICSL Variant Classification Criteria 13 December 2019. Collection method: clinical testing. Allele origin: germline.
Comment: This variant was observed as part of a predisposition screen in an ostensibly healthy population. A literature search was performed for the gene, cDNA change, and amino acid change (where applicable). No publications were found based on this search. Allele frequency data from public databases allowed determination this variant is unlikely to cause disease. Therefore, this variant is classified as likely benign.

Illumina Laboratory Services, Illumina
Classification: Uncertain significance for Familial hypobetalipoproteinemia 1. Last evaluated: 2017-04-27. Review status: criteria provided, single submitter. Criteria: ICSL Variant Classification Criteria 13 December 2019. Collection method: clinical testing. Allele origin: germline.